The following is an entry in ClinVar:

NM_052947.4(ALPK2):c.958G>A (p.Glu320Lys)

Genes: ALPK2 (alpha kinase 2; minus strand), LOC114803473 (ALPK2 eExon liver enhancer; plus strand). Cytogenetic location: 18q21.31.
Variant type: single nucleotide variant.
Coding change: c.958G>A on transcript NM_052947.4 (MANE Select); coding-DNA position 958, G replaced by A.
Protein change: p.Glu320Lys; replaces glutamic acid 320 with lysine.
Molecular consequence: missense variant.
Genome position (GRCh38, 1-based): chr18:58,579,818, C>T on the plus strand (G>A on the coding strand, the complement: ALPK2 is on the minus strand). VCF-style: chr18-58579818-C-T. GRCh37 (hg19) VCF-style: chr18-56247050-C-T.
Other names: short protein forms E320K.
Identifiers: ClinVar variation 1767476 (VCV001767476.2), dbSNP rs114465902, ClinGen allele CA8977351.

ClinVar aggregate classification (germline): Uncertain significance (1 of 4 stars; one submission).

Allele frequency attached by ClinVar (database versions not stated): ESP Exome Variant Server 0.00054; 1000 Genomes Project 0.00060; 1000 Genomes Project 30x 0.00078; gnomAD exomes 0.00007; ExAC 0.00019; gnomAD 0.00044; TOPMed 0.00051.
gnomAD v4.1: 160 of 1,614,066 alleles (0.0099%); highest among the groups gnomAD compares: African/African-American, 0.18%; no homozygotes.

Submission:

Ambry Genetics
Classification: Uncertain significance. Last evaluated: 2022-09-13. Review status: criteria provided, single submitter. Criteria: Ambry Variant Classification Scheme 2023. Collection method: clinical testing. Allele origin: germline.
Comment: The p.E320K variant (also known as c.958G>A), located in coding exon 3 of the ALPK2 gene, results from a G to A substitution at nucleotide position 958. The glutamic acid at codon 320 is replaced by lysine, an amino acid with similar properties. This amino acid position is conserved. In addition, the in silico prediction for this alteration is inconclusive. Since supporting evidence is limited at this time, the clinical significance of this alteration remains unclear.